The following is an entry in ClinVar:

ClinVar aggregate classification (germline): Uncertain significance (1 of 4 stars; one submission).

Conditions:
Autosomal recessive limb-girdle muscular dystrophy type 2J (LGMDR10). Also called: Limb-girdle muscular dystrophy, type 2J; MUSCULAR DYSTROPHY, LIMB-GIRDLE, AUTOSOMAL RECESSIVE 10. Identifiers: Orphanet 140922, MedGen C1837342, MONDO:0012127, OMIM 608807.
Dilated cardiomyopathy 1G (CMD1G). Identifiers: Orphanet 154, MedGen C1858763, MONDO:0011400, OMIM 604145.

gnomAD v4.1: 1 of 1,613,938 alleles (0.000062%); no homozygotes.

Submission:

Labcorp Genetics (formerly Invitae), Labcorp
Classification: Uncertain significance for Dilated cardiomyopathy 1G; Autosomal recessive limb-girdle muscular dystrophy type 2J. Last evaluated: 2025-09-14. Review status: criteria provided, single submitter. Criteria: Invitae Variant Classification Sherloc (09022015). Collection method: clinical testing. Allele origin: germline.
Comment: This sequence change replaces threonine, which is neutral and polar, with serine, which is neutral and polar, at codon 35161 of the TTN protein (p.Thr35161Ser). This variant is not present in population databases (gnomAD no frequency). This variant has not been reported in the literature in individuals affected with TTN-related conditions. Experimental studies and prediction algorithms are not available or were not evaluated, and the functional significance of this variant is currently unknown. This variant is located in the M band of TTN (PMID: 25589632). Non-truncating variants in this region may be relevant for neuromuscular disorders, but have not been definitively shown to cause cardiomyopathy (PMID: 23975875). In summary, the available evidence is currently insufficient to determine the role of this variant in disease. Therefore, it has been classified as a Variant of Uncertain Significance.

Literature cited by the submitters: PubMed 25589632; PubMed 23975875.

NM_001267550.2(TTN):c.105482C>G (p.Thr35161Ser)

Genes: TTN-AS1 (TTN antisense RNA 1; plus strand), TTN (titin; minus strand). Cytogenetic location: 2q31.2.
Variant type: single nucleotide variant.
Coding change: c.105482C>G on transcript NM_001267550.2 (MANE Select); coding-DNA position 105482, C replaced by G.
Protein change: p.Thr35161Ser; replaces threonine 35161 with serine.
Molecular consequence: missense variant.
Genome position (GRCh38, 1-based): chr2:178,531,133, G>C on the plus strand (C>G on the coding strand, the complement: TTN is on the minus strand). VCF-style: chr2-178531133-G-C. GRCh37 (hg19) VCF-style: chr2-179395860-G-C.
Other names: c.100559C>G, p.Thr33520Ser (NM_001256850.1); c.78287C>G, p.Thr26096Ser (NM_003319.4); c.97778C>G, p.Thr32593Ser (NM_133378.4); c.78662C>G, p.Thr26221Ser (NM_133432.3); c.78863C>G, p.Thr26288Ser (NM_133437.4); short protein forms T26096S, T35161S, T33520S, T26221S, T26288S, T32593S.
Identifiers: ClinVar variation 4788724 (VCV004788724.1).